The following is an entry in ClinVar:

ClinVar aggregate classification (germline): Likely pathogenic (1 of 4 stars; one submission).

Conditions:
Junctional epidermolysis bullosa gravis of Herlitz. Also called: Herlitz-type junctional epidermolysis bullosa; Epidermolysis Bullosa Letalis; EPIDERMOLYSIS BULLOSA, JUNCTIONAL 1B, SEVERE; EPIDERMOLYSIS BULLOSA JUNCTIONALIS, HERLITZ TYPE; EPIDERMOLYSIS BULLOSA, JUNCTIONAL, HERLITZ-PEARSON TYPE; JEB-HERLITZ TYPE. Identifiers: Orphanet 79404, MedGen C0079683, MONDO:0009182, OMIM 226700.

Submission:

Myriad Genetics, Inc.
Classification: Likely pathogenic for Junctional epidermolysis bullosa gravis of Herlitz. Last evaluated: 2020-02-08. Review status: criteria provided, single submitter. Criteria: Myriad Women's Health Autosomal Recessive and X-Linked Classification Criteria (2019). Collection method: clinical testing. Allele origin: unknown.
Comment: NM_005562.2(LAMC2):c.2713G>T(E905*) is expected to be pathogenic in the context of junctional epidermolysis bullosa, LAMC2-related. This variant is predicted to lead to an abnormal or absent protein product due to the creation of a premature termination codon in LAMC2, a gene where loss-of-function variants are known to be pathogenic. Please note: this variant was assessed in the context of healthy population screening.

NM_005562.3(LAMC2):c.2713G>T (p.Glu905Ter)

Gene: LAMC2 (laminin subunit gamma 2; plus strand). Cytogenetic location: 1q25.3.
Variant type: single nucleotide variant.
Coding change: c.2713G>T on transcript NM_005562.3 (MANE Select); coding-DNA position 2713, G replaced by T.
Protein change: p.Glu905Ter; replaces glutamic acid 905 with a stop codon.
Molecular consequence: nonsense.
Genome position (GRCh38, 1-based): chr1:183,237,463, G>T. VCF-style: chr1-183237463-G-T. GRCh37 (hg19) VCF-style: chr1-183206598-G-T.
Other names: c.2713G>T, p.Glu905Ter (NM_018891.3); short protein forms E905*.
Identifiers: ClinVar variation 983663 (VCV000983663.3), dbSNP rs1660001380, ClinGen allele CA343698688.